The following is an entry in ClinVar:

ClinVar aggregate classification (germline): Uncertain significance (1 of 4 stars; one submission).

Conditions:
Gorlin syndrome. Also called: Nevoid Basal Cell Carcinoma Syndrome; Basal cell nevus syndrome. Identifiers: Orphanet 377, MedGen C0004779, MONDO:0007187.

Submission:

Labcorp Genetics (formerly Invitae), Labcorp
Classification: Uncertain significance for Gorlin syndrome. Last evaluated: 2023-02-03. Review status: criteria provided, single submitter. Criteria: Invitae Variant Classification Sherloc (09022015). Collection method: clinical testing. Allele origin: germline.
Comment: This variant has not been reported in the literature in individuals affected with PTCH1-related conditions. In summary, the available evidence is currently insufficient to determine the role of this variant in disease. Therefore, it has been classified as a Variant of Uncertain Significance. Advanced modeling of protein sequence and biophysical properties (such as structural, functional, and spatial information, amino acid conservation, physicochemical variation, residue mobility, and thermodynamic stability) performed at Invitae indicates that this missense variant is expected to disrupt PTCH1 protein function. This variant is not present in population databases (gnomAD no frequency). This sequence change replaces leucine, which is neutral and non-polar, with glutamine, which is neutral and polar, at codon 775 of the PTCH1 protein (p.Leu775Gln).

NM_000264.5(PTCH1):c.2324T>A (p.Leu775Gln)

Genes: PTCH1 (patched 1; minus strand), LOC100507346 (uncharacterized LOC100507346; plus strand). Cytogenetic location: 9q22.32.
Variant type: single nucleotide variant.
Coding change: c.2324T>A on transcript NM_000264.5 (MANE Select); coding-DNA position 2324, T replaced by A.
Protein change: p.Leu775Gln; replaces leucine 775 with glutamine.
Molecular consequence: missense variant. On other transcripts: non-coding transcript variant (1).
Genome position (GRCh38, 1-based): chr9:95,467,352, A>T on the plus strand (T>A on the coding strand, the complement: PTCH1 is on the minus strand). VCF-style: chr9-95467352-A-T. GRCh37 (hg19) VCF-style: chr9-98229634-A-T.
Other names: c.2126T>A, p.Leu709Gln (NM_001083602.3); c.2321T>A, p.Leu774Gln (NM_001083603.3); c.1871T>A, p.Leu624Gln (NM_001083604.3, NM_001083605.3, NM_001083606.3 and 1 more transcripts); c.2168T>A, p.Leu723Gln (NM_001354918.2); short protein forms L774Q, L775Q, L709Q, L723Q, L624Q.
Identifiers: ClinVar variation 2834345 (VCV002834345.3), dbSNP rs2117970659, ClinGen allele CA374114602.